The following is an entry in ClinVar:

NM_002295.6(RPSA):c.818C>T (p.Thr273Met)

Gene: RPSA (ribosomal protein SA; plus strand). Cytogenetic location: 3p22.1.
Variant type: single nucleotide variant.
Coding change: c.818C>T on transcript NM_002295.6 (MANE Select); coding-DNA position 818, C replaced by T.
Protein change: p.Thr273Met; replaces threonine 273 with methionine.
Molecular consequence: missense variant.
Genome position (GRCh38, 1-based): chr3:39,412,298, C>T. VCF-style: chr3-39412298-C-T. GRCh37 (hg19) VCF-style: chr3-39453789-C-T.
Other names: c.833C>T, p.Thr278Met (NM_001304288.2); short protein forms T278M, T273M.
Identifiers: ClinVar variation 4762277 (VCV004762277.1).

ClinVar aggregate classification (germline): Uncertain significance (1 of 4 stars; one submission).

Submission:

Labcorp Genetics (formerly Invitae), Labcorp
Classification: Uncertain significance. Last evaluated: 2025-11-24. Review status: criteria provided, single submitter. Criteria: Invitae Variant Classification Sherloc (09022015). Collection method: clinical testing. Allele origin: germline.
Comment: This sequence change replaces threonine, which is neutral and polar, with methionine, which is neutral and non-polar, at codon 273 of the RPSA protein (p.Thr273Met). The frequency data for this variant in the population databases is considered unreliable, as metrics indicate poor data quality at this position in the gnomAD database. This variant has not been reported in the literature in individuals affected with RPSA-related conditions. An algorithm developed to predict the effect of missense changes on protein structure and function (PolyPhen-2) suggests that this variant is likely to be tolerated. In summary, the available evidence is currently insufficient to determine the role of this variant in disease. Therefore, it has been classified as a Variant of Uncertain Significance.